The following is an entry in ClinVar:

ClinVar aggregate classification (germline): Benign/Likely benign. Review status: criteria provided, multiple submitters, no conflicts (2 of 4 stars). 15 submissions from 15 submitters: Benign (8); Likely benign (2). 5 of the submissions do not count toward it. Last evaluated 2026-09-01.

Conditions:
Hereditary hemorrhagic telangiectasia (HHT). Also called: Osler hemorrhagic telangiectasia syndrome; ORW DISEASE; Osler Weber Rendu syndrome; OSLER-RENDU-WEBER DISEASE. Identifiers: Orphanet 774, MedGen C0039445, MONDO:0019180. Disease mechanism: loss of function.
Cardiovascular phenotype. Identifiers: MedGen CN230736.
Telangiectasia, hereditary hemorrhagic, type 1 (HHT1). Also called: Osler Weber Rendu syndrome type 1; ENG-Related Hereditary Hemorrhagic Telangiectasia. Identifiers: Orphanet 774, MedGen C4551861, MONDO:0008535, OMIM 187300. Disease mechanism: loss of function.

Allele frequency attached by ClinVar (database versions not stated): gnomAD exomes 0.00322; ExAC 0.00331; gnomAD 0.00345 and 0.00355; TOPMed 0.00353; ESP Exome Variant Server 0.00384; 1000 Genomes Project 0.00180; 1000 Genomes Project 30x 0.00203.

Submissions (21):

CeGaT Center for Human Genetics Tuebingen
Classification: Benign. Last evaluated: 2026-09-01. Review status: criteria provided, single submitter. Criteria: CeGaT Center For Human Genetics Tuebingen Variant Classification Criteria Version 2. Collection method: clinical testing. Allele origin: germline. Affected: yes. Observed: 19 variant alleles.
Comment: ENG: BP4, BP7, BS1, BS2

Labcorp Genetics (formerly Invitae), Labcorp
Classification: Benign for Hereditary hemorrhagic telangiectasia. Last evaluated: 2026-02-04. Review status: criteria provided, single submitter. Criteria: Invitae Variant Classification Sherloc (09022015). Collection method: clinical testing. Allele origin: germline.

ARUP Laboratories, Molecular Genetics and Genomics, ARUP Laboratories
Classification: Benign for Telangiectasia, hereditary hemorrhagic, type 1. Last evaluated: 2025-04-16. Review status: criteria provided, single submitter. Criteria: ARUP Molecular Germline Variant Investigation Process 2024. Collection method: clinical testing. Allele origin: germline.

Blueprint Genetics
Classification: Benign. Last evaluated: 2024-11-23. Review status: criteria provided, single submitter. Criteria: ACMG Guidelines, 2015. Collection method: clinical testing. Allele origin: germline.

Mayo Clinic Laboratories, Mayo Clinic
Classification: Benign. Last evaluated: 2023-01-12. Review status: criteria provided, single submitter. Criteria: ACMG Guidelines, 2015. Collection method: clinical testing. Allele origin: germline. Observed: 7 variant alleles.
Comment: BS1, BS2, BP4, BP7

GeneDx
Classification: Benign. Last evaluated: 2015-12-02. Review status: criteria provided, single submitter. Criteria: GeneDx Variant Classification (06012015). Collection method: clinical testing. Allele origin: germline. Affected: yes.
Comment: This variant is considered likely benign or benign based on one or more of the following criteria: it is a conservative change, it occurs at a poorly conserved position in the protein, it is predicted to be benign by multiple in silico algorithms, and/or has population frequency not consistent with disease.

Ambry Genetics
Classification: Likely benign for Cardiovascular phenotype. Last evaluated: 2014-06-30. Review status: criteria provided, single submitter. Criteria: Ambry Variant Classification Scheme 2023. Collection method: clinical testing. Allele origin: germline.

Laboratory for Molecular Medicine, Mass General Brigham Personalized Medicine
Classification: Benign. Last evaluated: 2013-02-21. Review status: criteria provided, single submitter. Criteria: LMM Criteria. Collection method: clinical testing. Allele origin: germline. Observed: 1 variant allele.
Comment: Gly40Gly in exon 2 of ENG: This variant is not expected to have clinical signifi cance because it does not alter an amino acid residue and is not located within the splice consensus sequence. It has been identified in 0.5% (44/8600) of Europ ean American chromosomes from a broad population by the NHLBI Exome Sequencing P roject (dbSNP rs41522944).

Breakthrough Genomics
Classification: Likely benign. Review status: criteria provided, single submitter. Criteria: ACMG Guidelines, 2015. Collection method: not provided. Allele origin: germline. Inheritance: Autosomal dominant inheritance. Affected: yes.

PreventionGenetics, part of Exact Sciences
Classification: Benign. Review status: criteria provided, single submitter. Criteria: ACMG Guidelines, 2015. Collection method: clinical testing. Allele origin: germline.

Clinical Genetics DNA and cytogenetics Diagnostics Lab, Erasmus MC, Erasmus Medical Center
Classification: Likely benign. Review status: no assertion criteria provided. Collection method: clinical testing. Allele origin: germline. Affected: yes. Study: VKGL Data-share Consensus. Not counted in ClinVar's aggregate classification.

Clinical Genetics, Academic Medical Center
Classification: Likely benign. Review status: no assertion criteria provided. Collection method: clinical testing. Allele origin: germline. Affected: yes. Study: VKGL Data-share Consensus. Not counted in ClinVar's aggregate classification.

Diagnostic Laboratory, Department of Genetics, University Medical Center Groningen
Classification: Likely benign for Telangiectasia, hereditary hemorrhagic, type 1. Review status: no assertion criteria provided. Collection method: clinical testing. Allele origin: germline. Affected: yes. Study: VKGL Data-share Consensus. Not counted in ClinVar's aggregate classification.

Dr. Peter K. Rogan Lab, Western University
No classification provided (evidence only). Condition: Clear cell carcinoma of kidney. Review status: no classification provided. Collection method: in vitro. Allele origin: not applicable. Functional consequence: skipped exon. Not counted in ClinVar's aggregate classification.

Dr. Peter K. Rogan Lab, Western University
No classification provided (evidence only). Condition: Melanoma. Review status: no classification provided. Collection method: in vitro. Allele origin: not applicable. Functional consequence: retained intron. Not counted in ClinVar's aggregate classification.

Dr. Peter K. Rogan Lab, Western University
No classification provided (evidence only). Condition: Acute myeloid leukemia. Review status: no classification provided. Collection method: in vitro. Allele origin: not applicable. Functional consequence: retained intron. Not counted in ClinVar's aggregate classification.

Dr. Peter K. Rogan Lab, Western University
No classification provided (evidence only). Condition: Acute myeloid leukemia. Review status: no classification provided. Collection method: in vitro. Allele origin: not applicable. Functional consequence: retained intron. Not counted in ClinVar's aggregate classification.

Dr. Peter K. Rogan Lab, Western University
No classification provided (evidence only). Condition: Uterine corpus endometrial carcinoma. Review status: no classification provided. Collection method: in vitro. Allele origin: not applicable. Functional consequence: retained intron. Not counted in ClinVar's aggregate classification.

Dr. Peter K. Rogan Lab, Western University
No classification provided (evidence only). Condition: Cholangiocarcinoma. Review status: no classification provided. Collection method: in vitro. Allele origin: not applicable. Functional consequence: retained intron. Not counted in ClinVar's aggregate classification.

Genome Diagnostics Laboratory, Amsterdam University Medical Center
Classification: Benign. Review status: no assertion criteria provided. Collection method: clinical testing. Allele origin: germline. Affected: yes. Study: VKGL Data-share Consensus. Not counted in ClinVar's aggregate classification.

Laboratory of Diagnostic Genome Analysis, Leiden University Medical Center (LUMC)
Classification: Likely benign. Review status: no assertion criteria provided. Collection method: clinical testing. Allele origin: germline. Affected: yes. Study: VKGL Data-share Consensus. Not counted in ClinVar's aggregate classification.

NM_001114753.3(ENG):c.120C>T (p.Gly40=)

Gene: ENG (endoglin; minus strand). Cytogenetic location: 9q34.11.
Variant type: single nucleotide variant.
Coding change: c.120C>T on transcript NM_001114753.3 (MANE Select); coding-DNA position 120, C replaced by T.
Protein change: p.Gly40=; no amino-acid change (glycine 40 retained).
Molecular consequence: synonymous variant. On other transcripts: 5 prime UTR variant (1).
Genome position (GRCh38, 1-based): chr9:127,843,193, G>A on the plus strand (C>T on the coding strand, the complement: ENG is on the minus strand). VCF-style: chr9-127843193-G-A. GRCh37 (hg19) VCF-style: chr9-130605472-G-A.
Other names: p.Gly40=; c.120C>T, p.Gly40= (NM_000118.4, NM_001406715.1); c.-427C>T (NM_001278138.2).
Identifiers: ClinVar variation 237016 (VCV000237016.74), dbSNP rs41522944, ClinGen allele CA5253225.